The following is an entry in ClinVar:

NM_153717.3(EVC):c.1636A>G (p.Met546Val)

Gene: EVC (EvC ciliary complex subunit 1; plus strand). Cytogenetic location: 4p16.2.
Variant type: single nucleotide variant.
Coding change: c.1636A>G on transcript NM_153717.3 (MANE Select); coding-DNA position 1636, A replaced by G.
Protein change: p.Met546Val; replaces methionine 546 with valine.
Molecular consequence: missense variant.
Genome position (GRCh38, 1-based): chr4:5,783,624, A>G. VCF-style: chr4-5783624-A-G. GRCh37 (hg19) VCF-style: chr4-5785351-A-G.
Other names: c.1636A>G, p.Met546Val (NM_001306090.2); short protein forms M546V.
Identifiers: ClinVar variation 349183 (VCV000349183.54), dbSNP rs112608085, ClinGen allele CA2836206.

ClinVar aggregate classification (germline): Likely benign. Review status: criteria provided, multiple submitters, no conflicts (2 of 4 stars). 8 submissions from 8 submitters: Likely benign (7). 1 of the submissions does not count toward it. Last evaluated 2025-12-22.

Conditions:
EVC-related disorder. Also called: EVC-related condition; EVC-related disorders.
Ellis-van Creveld syndrome (EVC). Also called: Chondroectodermal dysplasia; MESOECTODERMAL DYSPLASIA. Identifiers: Orphanet 289, MedGen C0013903, MONDO:0009162, OMIM 225500.
Curry-Hall syndrome (WAD). Also called: WEYERS ACRODENTAL DYSOSTOSIS. Identifiers: Orphanet 952, MedGen C0457013, MONDO:0008673, OMIM 193530.

Allele frequency attached by ClinVar (database versions not stated): gnomAD exomes 0.00025 and 0.00057; ExAC 0.00046; 1000 Genomes Project 0.00100; 1000 Genomes Project 30x 0.00109; gnomAD 0.00196 and 0.00209; ESP Exome Variant Server 0.00200; TOPMed 0.00215.
gnomAD v4.1: 707 of 1,614,170 alleles (0.044%); highest among the groups gnomAD compares: African/African-American, 0.48%; 7 homozygotes.

Submissions (8):

Labcorp Genetics (formerly Invitae), Labcorp
Classification: Likely benign for Curry-Hall syndrome; Ellis-van Creveld syndrome. Last evaluated: 2025-12-22. Review status: criteria provided, single submitter. Criteria: Invitae Variant Classification Sherloc (09022015). Collection method: clinical testing. Allele origin: germline.

CeGaT Center for Human Genetics Tuebingen
Classification: Likely benign. Last evaluated: 2025-03-01. Review status: criteria provided, single submitter. Criteria: CeGaT Center For Human Genetics Tuebingen Variant Classification Criteria Version 2. Collection method: clinical testing. Allele origin: germline. Affected: yes. Observed: 2 variant alleles.
Comment: EVC: BP4, BS2

ARUP Laboratories, Molecular Genetics and Genomics, ARUP Laboratories
Classification: Likely benign. Last evaluated: 2024-10-28. Review status: criteria provided, single submitter. Criteria: ARUP Molecular Germline Variant Investigation Process 2024. Collection method: clinical testing. Allele origin: germline.

Blueprint Genetics
Classification: Likely benign. Last evaluated: 2024-10-07. Review status: criteria provided, single submitter. Criteria: ACMG Guidelines, 2015. Collection method: clinical testing. Allele origin: germline.

Eurofins Ntd Llc (ga)
Classification: Likely benign. Last evaluated: 2018-06-29. Review status: criteria provided, single submitter. Criteria: EGL ClinVar v180209 classification definitions. Collection method: clinical testing. Allele origin: germline. Observed: 2 variant alleles, 2 heterozygotes.

Illumina Laboratory Services, Illumina
Classification: Likely benign for Ellis-van Creveld syndrome. Last evaluated: 2018-01-13. Review status: criteria provided, single submitter. Criteria: ICSL Variant Classification Criteria 13 December 2019. Collection method: clinical testing. Allele origin: germline.
Comment: This variant was observed in the ICSL laboratory as part of a predisposition screen in an ostensibly healthy population. It had not been previously curated by ICSL or reported in the Human Gene Mutation Database (HGMD: prior to June 1st, 2018), and was therefore a candidate for classification through an automated scoring system. Utilizing variant allele frequency, disease prevalence and penetrance estimates, and inheritance mode, an automated score was calculated to assess if this variant is too frequent to cause the disease. Based on the score and internal cut-off values, a variant classified as likely benign is not then subjected to further curation. The score for this variant resulted in a classification of likely benign for this disease.

GeneDx
Classification: Likely benign. Last evaluated: 2016-12-05. Review status: criteria provided, single submitter. Criteria: GeneDx Variant Classification (06012015). Collection method: clinical testing. Allele origin: germline. Affected: yes.
Comment: This variant is considered likely benign or benign based on one or more of the following criteria: it is a conservative change, it occurs at a poorly conserved position in the protein, it is predicted to be benign by multiple in silico algorithms, and/or has population frequency not consistent with disease.

PreventionGenetics, part of Exact Sciences
Classification: Likely benign for EVC-related condition. Last evaluated: 2022-02-08. Review status: no assertion criteria provided. Collection method: clinical testing. Allele origin: germline. Not counted in ClinVar's aggregate classification.
Comment: This variant is classified as likely benign based on ACMG/AMP sequence variant interpretation guidelines (Richards et al. 2015 PMID: 25741868, with internal and published modifications).